The following is an entry in ClinVar:

ClinVar aggregate classification (germline): Likely benign (1 of 4 stars; one submission).

Allele frequency attached by ClinVar (database versions not stated): TOPMed 0.00035; gnomAD 0.00072; 1000 Genomes Project 30x 0.00390; 1000 Genomes Project 0.00459.
gnomAD v4.1: 1,634 of 1,579,634 alleles (0.1%); highest among the groups gnomAD compares: South Asian, 1.5%; 22 homozygotes.

Submission:

GeneDx
Classification: Likely benign. Last evaluated: 2020-07-28. Review status: criteria provided, single submitter. Criteria: GeneDx Variant Classification Process June 2021. Collection method: clinical testing. Allele origin: germline. Affected: yes.
Comment: See Variant Classification Assertion Criteria.

NM_001113491.2(SEPTIN9):c.913+53C>G

Gene: SEPTIN9 (septin 9; plus strand). Cytogenetic location: 17q25.3.
Variant type: single nucleotide variant.
Coding change: c.913+53C>G on transcript NM_001113491.2 (MANE Select); 53 bases into the intron after coding-DNA position 913, C replaced by G.
Molecular consequence: intron variant.
Genome position (GRCh38, 1-based): chr17:77,482,388, C>G. VCF-style: chr17-77482388-C-G. GRCh37 (hg19) VCF-style: chr17-75478470-C-G.
Other names: c.856+53C>G (NM_001293695.2); c.421+53C>G (NM_001113492.2, NM_001113494.1); c.859+53C>G (NM_006640.5); c.892+53C>G (NM_001113493.2); c.241+53C>G (NM_001293696.2); c.160+53C>G (NM_001113496.2, NM_001293697.2, NM_001293698.2 and 1 more transcripts).
Identifiers: ClinVar variation 2446212 (VCV002446212.1), dbSNP rs376593616, ClinGen allele CA8793558.